The following is an entry in ClinVar:

NM_000059.4(BRCA2):c.4741G>T (p.Glu1581Ter)

Gene: BRCA2 (BRCA2 DNA repair associated; plus strand). Cytogenetic location: 13q13.1.
Variant type: single nucleotide variant.
Coding change: c.4741G>T on transcript NM_000059.4 (MANE Select); coding-DNA position 4741, G replaced by T.
Protein change: p.Glu1581Ter; replaces glutamic acid 1581 with a stop codon.
Molecular consequence: nonsense.
Genome position (GRCh38, 1-based): chr13:32,339,096, G>T. VCF-style: chr13-32339096-G-T. GRCh37 (hg19) VCF-style: chr13-32913233-G-T.
Other names: c.4741G>T, p.Glu1581Ter (NM_001406719.1, NM_001406720.1); short protein forms E1581*.
Identifiers: ClinVar variation 1742776 (VCV001742776.2), dbSNP rs368952892, ClinGen allele CA387783057.
Genomic context (GRCh38, chr13:32,339,096, plus strand): 5'-CATCAATGGGCAAAGACCCTAAAGTACAGAGAGGCCTGTAAAGACCTTGAATTAGCATGT[G>T]AGACCATTGAGATCACAGCTGCCCCAAAGTGTAAAGAAATGCAGAATTCTCTCAATAATG-3'

ClinVar aggregate classification (germline): Pathogenic (1 of 4 stars; one submission).

Conditions:
Hereditary cancer-predisposing syndrome. Also called: Hereditary Cancer Syndrome; Hereditary neoplastic syndrome; Neoplastic Syndromes, Hereditary; Tumor predisposition. Identifiers: Orphanet 140162, MedGen C0027672, MeSH D009386, MONDO:0015356.

Submission:

Ambry Genetics
Classification: Pathogenic for Hereditary cancer-predisposing syndrome. Last evaluated: 2020-06-16. Review status: criteria provided, single submitter. Criteria: Ambry Variant Classification Scheme 2023. Collection method: clinical testing. Allele origin: germline.
Comment: The p.E1581* pathogenic mutation (also known as c.4741G>T), located in coding exon 10 of the BRCA2 gene, results from a G to T substitution at nucleotide position 4741. This changes the amino acid from a glutamic acid to a stop codon within coding exon 10. This alteration was identified in a large, worldwide study of BRCA1/2 mutation-positive families (Rebbeck TR et al. Hum. Mutat. 2018 05;39:593-620). This alteration is expected to result in loss of function by premature protein truncation or nonsense-mediated mRNA decay. As such, this alteration is interpreted as a disease-causing mutation.

Literature cited by the submitters: PubMed 29446198.